The following is an entry in ClinVar:

ClinVar aggregate classification (germline): Uncertain significance (1 of 4 stars; one submission).

Conditions:
Early-infantile DEE. Also called: Early infantile epileptic encephalopathy; Early infantile epileptic encephalopathy with suppression bursts; Ohtahara syndrome. Identifiers: Orphanet 1934, MedGen C0393706, MONDO:0800491.

Submission:

Labcorp Genetics (formerly Invitae), Labcorp
Classification: Uncertain significance for Early-infantile DEE. Last evaluated: 2025-06-02. Review status: criteria provided, single submitter. Criteria: Invitae Variant Classification Sherloc (09022015). Collection method: clinical testing. Allele origin: germline.
Comment: This sequence change falls in intron 20 of the SCN1A gene. It does not directly change the encoded amino acid sequence of the SCN1A protein. However, this sequence change falls within a region encompassing a cryptic exon in the SCN1A gene, in which variants have been shown to alter splicing (PMID: 30526861, 34107977). This variant is not present in population databases (gnomAD no frequency). This variant has not been reported in the literature in individuals affected with SCN1A-related conditions. ClinVar contains an entry for this variant (Variation ID: 2830211). Algorithms developed to predict the effect of sequence changes on RNA splicing suggest that this variant is not likely to affect RNA splicing. In summary, the available evidence is currently insufficient to determine the role of this variant in disease. Therefore, it has been classified as a Variant of Uncertain Significance.

Literature cited by the submitters: PubMed 30526861; PubMed 34107977.

NM_001165963.4(SCN1A):c.4002+2450G>A

Genes: SCN1A (sodium voltage-gated channel alpha subunit 1; minus strand), LOC102724058 (uncharacterized LOC102724058; plus strand). Cytogenetic location: 2q24.3.
Variant type: single nucleotide variant.
Coding change: c.4002+2450G>A on transcript NM_001165963.4 (MANE Select); 2450 bases into the intron after coding-DNA position 4002, G replaced by A.
Molecular consequence: intron variant. On other transcripts: non-coding transcript variant (1).
Genome position (GRCh38, 1-based): chr2:166,007,269, C>T on the plus strand (G>A on the coding strand, the complement: SCN1A is on the minus strand). VCF-style: chr2-166007269-C-T. GRCh37 (hg19) VCF-style: chr2-166863779-C-T.
Other names: c.3969+2450G>A (NM_001353949.2, NM_001353950.2, NM_001353951.2 and 2 more transcripts); c.3918+2450G>A (NM_001353958.2, NM_001353957.2, NM_001165964.3); c.4002+2450G>A (NM_001202435.3, NM_001353948.2); c.3966+2450G>A (NM_001353955.2, NM_001353954.2); c.3915+2450G>A (NM_001353960.2); c.1560+2450G>A (NM_001353961.2).
Identifiers: ClinVar variation 2830211 (VCV002830211.3), dbSNP rs2468471505, ClinGen allele CA2739271471.